The following is an entry in ClinVar:

ClinVar aggregate classification (germline): Uncertain significance (1 of 4 stars; one submission).

Allele frequency attached by ClinVar (database versions not stated): TOPMed below 0.00001.
gnomAD v4.1: 4 of 1,610,998 alleles (0.00025%); highest among the groups gnomAD compares: Non-Finnish European, 0.00034%; no homozygotes.

Submission:

GeneDx
Classification: Uncertain significance. Last evaluated: 2019-04-12. Review status: criteria provided, single submitter. Criteria: GeneDx Variant Classification Process June 2021. Collection method: clinical testing. Allele origin: germline. Affected: yes.
Comment: Not observed in large population cohorts (Lek et al., 2016); In silico analysis, which includes protein predictors and evolutionary conservation, supports that this variant does not alter protein structure/function; Has not been previously published as pathogenic or benign to our knowledge

NM_016343.4(CENPF):c.8031C>A (p.Ser2677Arg)

Gene: CENPF (centromere protein F; plus strand). Cytogenetic location: 1q41.
Variant type: single nucleotide variant.
Coding change: c.8031C>A on transcript NM_016343.4 (MANE Select); coding-DNA position 8031, C replaced by A.
Protein change: p.Ser2677Arg; replaces serine 2677 with arginine.
Molecular consequence: missense variant.
Genome position (GRCh38, 1-based): chr1:214,651,757, C>A. VCF-style: chr1-214651757-C-A. GRCh37 (hg19) VCF-style: chr1-214825100-C-A.
Other names: short protein forms S2677R.
Identifiers: ClinVar variation 1308600 (VCV001308600.2), dbSNP rs1309821648, ClinGen allele CA344854463.